The following is an entry in ClinVar:

NM_002439.5(MSH3):c.1387T>C (p.Phe463Leu)

Gene: MSH3 (mutS homolog 3; plus strand). Cytogenetic location: 5q14.1.
Variant type: single nucleotide variant.
Coding change: c.1387T>C on transcript NM_002439.5 (MANE Select); coding-DNA position 1387, T replaced by C.
Protein change: p.Phe463Leu; replaces phenylalanine 463 with leucine.
Molecular consequence: missense variant.
Genome position (GRCh38, 1-based): chr5:80,725,499, T>C. VCF-style: chr5-80725499-T-C. GRCh37 (hg19) VCF-style: chr5-80021318-T-C.
Other names: c.1387T>C (NM_002439.3); short protein forms F463L.
Identifiers: ClinVar variation 2846185 (VCV002846185.4), dbSNP rs2546753000, ClinGen allele CA360273464.
Genomic context (GRCh38, chr5:80,725,499, plus strand): 5'-CTTTTTTCTTTCAGTGTGCAGGATGACAGAATTCGAGTCGAAAGGATGGATAACATTTAT[T>C]TTGAATACAGCCATGCTTTCCAGGCAGTTACAGAGTTTTATGCAAAAGATACAGTTGACA-3'
Protein context (NP_002430.3, residues 453-473): IRVERMDNIY[Phe463Leu]EYSHAFQAVT

ClinVar aggregate classification (germline): Uncertain significance. Review status: criteria provided, multiple submitters, no conflicts (2 of 4 stars). 2 submissions from 2 submitters: Uncertain significance (2). Last evaluated 2026-06-14.

Conditions:
Hereditary cancer-predisposing syndrome. Also called: Hereditary neoplastic syndrome; Neoplastic Syndromes, Hereditary; Tumor predisposition; Hereditary Cancer Syndrome. Identifiers: Orphanet 140162, MedGen C0027672, MeSH D009386, MONDO:0015356.

Submissions (2):

Ambry Genetics
Classification: Uncertain significance for Hereditary cancer-predisposing syndrome. Last evaluated: 2026-06-14. Review status: criteria provided, single submitter. Criteria: Ambry Variant Classification Scheme 2023. Collection method: clinical testing. Allele origin: germline.
Comment: The p.F463L variant (also known as c.1387T>C), located in coding exon 9 of the MSH3 gene, results from a T to C substitution at nucleotide position 1387. The phenylalanine at codon 463 is replaced by leucine, an amino acid with highly similar properties. This amino acid position is conserved. In addition, this alteration is predicted to be deleterious by in silico analysis. Based on the available evidence, the clinical significance of this variant remains unclear.

Labcorp Genetics (formerly Invitae), Labcorp
Classification: Uncertain significance. Last evaluated: 2025-07-31. Review status: criteria provided, single submitter. Criteria: Invitae Variant Classification Sherloc (09022015). Collection method: clinical testing. Allele origin: germline.
Comment: This sequence change replaces phenylalanine, which is neutral and non-polar, with leucine, which is neutral and non-polar, at codon 463 of the MSH3 protein (p.Phe463Leu). This variant is not present in population databases (gnomAD no frequency). This variant has not been reported in the literature in individuals affected with MSH3-related conditions. ClinVar contains an entry for this variant (Variation ID: 2846185). An algorithm developed to predict the effect of missense changes on protein structure and function (PolyPhen-2) suggests that this variant is likely to be disruptive. In summary, the available evidence is currently insufficient to determine the role of this variant in disease. Therefore, it has been classified as a Variant of Uncertain Significance.